The following is an entry in ClinVar:

NM_002488.5(NDUFA2):c.140C>T (p.Ala47Val)

Genes: NDUFA2 (NADH:ubiquinone oxidoreductase subunit A2; minus strand), TMCO6 (transmembrane and coiled-coil domains 6; plus strand). Cytogenetic location: 5q31.3.
Variant type: single nucleotide variant.
Coding change: c.140C>T on transcript NM_002488.5 (MANE Select); coding-DNA position 140, C replaced by T.
Protein change: p.Ala47Val; replaces alanine 47 with valine.
Molecular consequence: missense variant. On other transcripts: non-coding transcript variant (1).
Genome position (GRCh38, 1-based): chr5:140,647,324, G>A on the plus strand (C>T on the coding strand, the complement: NDUFA2 is on the minus strand). VCF-style: chr5-140647324-G-A. GRCh37 (hg19) VCF-style: chr5-140026909-G-A.
Other names: p.Ala47Val; c.140C>T, p.Ala47Val (NM_001185012.2); short protein forms A47V.
Identifiers: ClinVar variation 2682906 (VCV002682906.1), dbSNP rs755726191, ClinGen allele CA128351020.

ClinVar aggregate classification (germline): Uncertain significance (1 of 4 stars; one submission).

Allele frequency attached by ClinVar (database versions not stated): gnomAD 0.00001; TOPMed 0.00001.
gnomAD v4.1: 47 of 1,600,868 alleles (0.0029%); highest among the groups gnomAD compares: Non-Finnish European, 0.0038%; no homozygotes.

Submission:

Mayo Clinic Laboratories, Mayo Clinic
Classification: Uncertain significance. Last evaluated: 2022-12-22. Review status: criteria provided, single submitter. Criteria: ACMG Guidelines, 2015. Collection method: clinical testing. Allele origin: germline. Observed: 2 variant alleles.
Comment: BP4, PM2